The following is an entry in ClinVar:

ClinVar aggregate classification (germline): Pathogenic. Review status: reviewed by expert panel (3 of 4 stars). 11 submissions from 11 submitters: Pathogenic (1). 10 of the submissions do not count toward it. Last evaluated 2023-10-03.

Conditions:
Glycogen storage disease due to acid maltase deficiency, late-onset (LOPD). Also called: POMPE DISEASE, LATE-ONSET; GLYCOGEN STORAGE DISEASE II, LATE-ONSET; ACID ALPHA-GLUCOSIDASE DEFICIENCY, LATE-ONSET; GAA DEFICIENCY, LATE-ONSET; ACID MALTASE DEFICIENCY, LATE-ONSET; AMD, LATE-ONSET. Identifiers: Orphanet 420429, MedGen C0342753, MONDO:0018485, OMIM 621314.
Glycogen storage disease, type II (IOPD). Also called: Glucosidase acid-1,4-alpha deficiency; CARDIOMEGALIA GLYCOGENICA DIFFUSA; POMPE DISEASE, INFANTILE-ONSET; GLYCOGEN STORAGE DISEASE II, INFANTILE-ONSET; ACID ALPHA-GLUCOSIDASE DEFICIENCY, INFANTILE-ONSET; GAA DEFICIENCY, INFANTILE-ONSET. Identifiers: Orphanet 365, MedGen C0017921, MONDO:0009290, OMIM 232300.

Allele frequency attached by ClinVar (database versions not stated): gnomAD exomes 0.00001 and 0.00004; ExAC 0.00002; gnomAD 0.00003.
gnomAD v4.1: 21 of 1,584,872 alleles (0.0013%); highest among the groups gnomAD compares: East Asian, 0.0023%; no homozygotes.

Submissions (11):

ClinGen Lysosomal Storage Disorder Variant Curation Expert Panel
Classification: Pathogenic for Glycogen storage disease, type II. Last evaluated: 2023-10-03. Review status: reviewed by expert panel. Criteria: clingen_lsd_acmg_specifications_v2-1. Collection method: curation. Allele origin: germline. Inheritance: Autosomal recessive inheritance.
Comment: The NM_000152.5:c.2173C>T variant in GAA is a missense variant predicted to cause substitution of Arg by Trp at amino acid 725 (p.Arg725Trp). This variant is present in gnomAD V2.1.1 with the highest population minor allele frequency of 0.00077 (7/9058 alleles) in the Ashkenazi Jewish population, which is lower than the ClinGen LSD VCEP's threshold for PM2_Supporting (<0.001), meeting this criterion (PM2_Supporting). The computational predictor REVEL gives a score of 0.909 which is above the thresholds predicting a damaging (>0.7) impact on GAA function. Thus met PP3 criteria. This variant results in 6.5% GAA activity when expressed in COS cells (PMID: 8401535), meeting the ClinGen LSD VCEP specifications for PS3. This variant has been detected in at least 12 individuals with Pompe disease. Of those individuals, 10 were compound heterozygous for the variant and a pathogenic or likely pathogenic variant including 2 with c.573C>A-pathogenic (PMID: 30155607), 1 with ex18 deletion-pathogenic (PMID: 28648663), 3 with c.-32-13T>G-pathogenic (PMID: 27711114, 17616415), 1 with c.-32-3C>A-likely pathogenic (PMID: 19588081), 2 with c.1076-1G>C pathogenic variants (PMID: 17616415). 1 individual was homozygous for the variant (PMID: 27711114). A total of 4.25 points were awarded. Thus meets PM3-Very Strong. At least 4 individuals have been reported with this variant and GAA activity <10% normal in leukocytes/muscle samples or <30% normal in cultured fibroblasts. Patient 5 (PMID: 21550241) has 0.2% normal GAA activity in fibroblast. Patient 3 has 1.1% normal GAA activity in fibroblasts, patient 15 has 5.2% normal GAA activity in fibroblasts (PMID: 17616415). Patient 1 (PMID: 3865697) has GAA activity in affected range in muscle, cultured fibroblasts, and leucocytes when compared to the laboratory’s control range. This meets the criteria for PP4. There is a ClinVar entry for this variant (Variation ID: 4024; 2 star review status) with 9 submitters classifying the variant as pathogenic with no conflict. In summary, this variant meets the criteria to be classified as Pathogenic for Pompe disease based on the ACMG/AMP criteria applied, as specified by the ClinGen Lysosomal Storage Disorders Variant Curation Expert panel (Specifications Version 2.0): PS3-supporting, PM2-supporting, PM3-very strong, PP3, and PP4-moderate. (Classification approved by the ClinGen Lysosomal Diseases VCEP on Oct. 3, 2023)

Genomenon, Inc
Classification: Pathogenic for Glycogen storage disease, type II. Last evaluated: 2026-07-01. Review status: criteria provided, single submitter. Criteria: Genomenon Sequence Variant Interpretation Standards - Updated. Collection method: curation. Allele origin: germline. Affected: yes. Not counted in ClinVar's aggregate classification.
Comment: GAA p.Arg725Trp (c.2173C>T) is a missense variant that changes the amino acid at codon 725 from Arginine to Tryptophan. This variant has been observed in at least one proband with a GAA-related disorder in the compound heterozygous and/or homozygous state (PMID:40952111;39010129;37087815;33741225;27711114;27858614;18505979;17616415). At least one functional study has demonstrated a substantial alteration in protein function relative to the wild-type (PMID:19862843;8401535). It is absent or not present at a significant frequency in gnomAD. In silico models predict that this variant is possibly or probably damaging. In conclusion, we classify GAA p.Arg725Trp (c.2173C>T) as a pathogenic variant.

Labcorp Genetics (formerly Invitae), Labcorp
Classification: Pathogenic for Glycogen storage disease, type II. Last evaluated: 2025-11-06. Review status: criteria provided, single submitter. Criteria: Invitae Variant Classification Sherloc (09022015). Collection method: clinical testing. Allele origin: germline. Not counted in ClinVar's aggregate classification.
Comment: This sequence change replaces arginine, which is basic and polar, with tryptophan, which is neutral and slightly polar, at codon 725 of the GAA protein (p.Arg725Trp). This variant is present in population databases (rs121907938, gnomAD 0.08%). This missense change has been observed in individual(s) with Pompe disease (PMID: 8401535, 17616415, 19588081, 21550241, 28648663). ClinVar contains an entry for this variant (Variation ID: 4024). Invitae Evidence Modeling of protein sequence and biophysical properties (such as structural, functional, and spatial information, amino acid conservation, physicochemical variation, residue mobility, and thermodynamic stability) indicates that this missense variant is expected to disrupt GAA protein function with a positive predictive value of 95%. Experimental studies have shown that this missense change affects GAA function (PMID: 8401535, 21972175). This variant disrupts the p.Arg725 amino acid residue in GAA. Other variant(s) that disrupt this residue have been observed in individuals with GAA-related conditions (PMID: 18458862), which suggests that this may be a clinically significant amino acid residue. For these reasons, this variant has been classified as Pathogenic.

Natera, Inc.
Classification: Pathogenic for Glycogen storage disease type II. Last evaluated: 2025-09-19. Review status: criteria provided, single submitter. Criteria: Natera Variant Classification Schema (03/2026). Collection method: clinical testing. Allele origin: germline. Not counted in ClinVar's aggregate classification.
Comment: The c.2173C>T variant in GAA is a missense variant predicted to cause substitution of arginine to tryptophan at amino acid 725. This variant is rare in the general population with a frequency below the threshold expected for the associated phenotype(s). This variant has been observed in one or more individuals affected with the associated recessive disease, as either homozygous or compound heterozygous with a second variant (PMID: 17616415). Given the available evidence, this variant is classified as Pathogenic.

Revvity Omics, Revvity
Classification: Pathogenic. Last evaluated: 2025-05-08. Review status: criteria provided, single submitter. Criteria: ACMG Guidelines, 2015. Collection method: clinical testing. Allele origin: germline. Not counted in ClinVar's aggregate classification.

Fulgent Genetics
Classification: Pathogenic for Glycogen storage disease, type II. Last evaluated: 2024-01-12. Review status: criteria provided, single submitter. Criteria: ACMG Guidelines, 2015. Collection method: clinical testing. Allele origin: germline. Not counted in ClinVar's aggregate classification.

GeneDx
Classification: Pathogenic. Last evaluated: 2023-08-22. Review status: criteria provided, single submitter. Criteria: GeneDx Variant Classification Process June 2021. Collection method: clinical testing. Allele origin: germline. Affected: yes. Not counted in ClinVar's aggregate classification.
Comment: Published functional studies found this variant is associated with significantly reduced enzyme activity (Hermans MM et al., 1993; Ebrahim HY et al., 2012); In silico analysis supports that this missense variant has a deleterious effect on protein structure/function; This variant is associated with the following publications: (PMID: 17616415, 28648663, 8401535, 19588081, 21550241, 31589614, 35302691, 19343043, 22253258, 31254424, 31342611, 22252923, 27711114, 34530085, 21972175)

Broad Center for Mendelian Genomics, Broad Institute of MIT and Harvard
Classification: Pathogenic for Glycogen storage disease, type II. Last evaluated: 2020-01-22. Review status: criteria provided, single submitter. Criteria: ACMG Guidelines, 2015. Collection method: curation. Allele origin: germline. Inheritance: Autosomal recessive inheritance. Not counted in ClinVar's aggregate classification.
Comment: The heterozygous p.Arg725Trp variant in GAA has been reported in 6 individuals (including 3 Spanish and 1 Brazilian individuals) in the compound heterozygous state with Glycogen Storage Disease II (PMID: 21550241, 8401535, 17616415, 19588081). This variant has also been reported likely pathogenic by Counsyl and pathogenic by Integrated Genetics, Invitae, and OMIM in ClinVar (Variation ID: 4024). This variant has been identified in 0.077% (7/9058) of Ashkenazi Jewish chromosomes and 0.002% (2/104918) of European (non-Finnish) chromosomes by the Genome Aggregation Database (gnomAD; dbSNP rs121907938). Although this variant has been seen in the general population, its frequency is low enough to be consistent with a recessive carrier frequency. In vitro functional studies with HEK and COS cells provide some evidence that the p.Arg725Trp variant may impact GAA activity (PMID: 21972175, 8401535). However, these types of assays may not accurately represent biological function. Computational prediction tools and conservation analyses suggest that this variant may impact the protein, though this information is not predictive enough to determine pathogenicity. The presence of this variant confirmed in trans with a pathogenic variant and in individuals with Glycogen Storage Disease II increases the likelihood that the p.Arg725Trp variant is pathogenic (PMID: 8401535). The phenotype of heterozygotes with this variant is highly specific for Glycogen Storage Disease II based on abnormally low GAA activity detected in relevant tissues (PMID: 17616415, 8401535, 21550241). In summary, this variant meets criteria to be classified as pathogenic for Glycogen Storage Disease II in an autosomal recessive manner based on in vitro functional studies with transfected cells and multiple occurrences with pathogenic or likely pathogenic variants in individuals with Glycogen Storage Disease II. ACMG/AMP Criteria applied: PS3, PM2, PM3, PP3, PP4 (Richards 2015).

Women's Health and Genetics/Laboratory Corporation of America, LabCorp
Classification: Pathogenic for Glycogen storage disease, type II. Last evaluated: 2016-12-15. Review status: criteria provided, single submitter. Criteria: LabCorp Variant Classification Summary - May 2015. Collection method: clinical testing. Allele origin: germline. Not counted in ClinVar's aggregate classification.
Comment: Variant summary: The GAA c.2173C>T (p.Arg725Trp) variant involves the alteration of a conserved nucleotide. 5/5 in silico tools predict a damaging outcome for this variant. This variant was found in 1/44258 control chromosomes at a frequency of 0.0000226, which does not exceed the estimated maximal expected allele frequency of a pathogenic GAA variant (0.0042205). This variant has been reported in at least 5 patients with Pompe disease (3 juvenile and 2 adult). Functional studies showed GAA p.R725W had less than 10% residual activity. In addition, multiple clinical diagnostic laboratories/reputable databases classified this variant as likely pathogenic/pathogenic. Taken together, this variant is classified as pathogenic.

Counsyl
Classification: Pathogenic for Glycogen storage disease, type II. Last evaluated: 2018-09-07. Review status: no assertion criteria provided. Collection method: clinical testing. Allele origin: unknown. Not counted in ClinVar's aggregate classification.

OMIM
Classification: Pathogenic for POMPE DISEASE, LATE-ONSET. Last evaluated: 1993-01-01. Review status: no assertion criteria provided. Collection method: literature only. Allele origin: germline. Not counted in ClinVar's aggregate classification.

Literature cited by the submitters: PubMed 40952111 (cited by Genomenon, Inc); PubMed 39010129 (cited by Genomenon, Inc); PubMed 37087815 (cited by Genomenon, Inc); PubMed 33741225 (cited by Genomenon, Inc); PubMed 27711114 (cited by Genomenon, Inc and Counsyl); PubMed 27858614 (cited by Genomenon, Inc); PubMed 18505979 (cited by Genomenon, Inc and Counsyl); PubMed 17616415 (cited by 6 submitters); PubMed 19862843 (cited by Genomenon, Inc and Counsyl); PubMed 8401535 (cited by 6 submitters); PubMed 19588081 (cited by 4 submitters); PubMed 21550241 (cited by Labcorp Genetics (formerly Invitae), Labcorp and Broad Center for Mendelian Genomics, Broad Institute of MIT and Harvard); PubMed 28648663 (cited by Labcorp Genetics (formerly Invitae), Labcorp and Counsyl); PubMed 21972175 (cited by 3 submitters); PubMed 18458862 (cited by Labcorp Genetics (formerly Invitae), Labcorp).

NM_000152.5(GAA):c.2173C>T (p.Arg725Trp)

Gene: GAA (alpha glucosidase; plus strand). Cytogenetic location: 17q25.3.
Variant type: single nucleotide variant.
Coding change: c.2173C>T on transcript NM_000152.5 (MANE Select); coding-DNA position 2173, C replaced by T.
Protein change: p.Arg725Trp; replaces arginine 725 with tryptophan.
Molecular consequence: missense variant.
Genome position (GRCh38, 1-based): chr17:80,113,350, C>T. VCF-style: chr17-80113350-C-T. GRCh37 (hg19) VCF-style: chr17-78087149-C-T.
Other names: c.2173C>T, p.Arg725Trp (LRG_673t1, NM_001079803.3, NM_001079804.3); c.2173C>T (NM_000152.4); short protein forms R725W.
Identifiers: ClinVar variation 4024 (VCV000004024.36), dbSNP rs121907938, ClinGen allele CA116598.